The following is an entry in ClinVar:

ClinVar aggregate classification (germline): Uncertain significance (1 of 4 stars; one submission).

Conditions:
Amyotrophic lateral sclerosis type 4 (ALS4). Also called: NEURONOPATHY, DISTAL HEREDITARY MOTOR, WITH PYRAMIDAL FEATURES; AMYOTROPHIC LATERAL SCLEROSIS 4, JUVENILE. Identifiers: Orphanet 357043, MedGen C1865409, MONDO:0011223, OMIM 602433.
Spinocerebellar ataxia, autosomal recessive, with axonal neuropathy 2 (SCAN2). Also called: ATAXIA-OCULOMOTOR APRAXIA 2; Ataxia-ocular apraxia-2; Ataxia with Oculomotor Apraxia; Ataxia with Oculomotor Apraxia Type 2. Identifiers: Orphanet 64753, MedGen C1853761, MONDO:0018996, OMIM 606002.

Allele frequency attached by ClinVar (database versions not stated): TOPMed below 0.00001.

Submission:

Labcorp Genetics (formerly Invitae), Labcorp
Classification: Uncertain significance for Amyotrophic lateral sclerosis type 4; Spinocerebellar ataxia, autosomal recessive, with axonal neuropathy 2. Last evaluated: 2024-01-02. Review status: criteria provided, single submitter. Criteria: Invitae Variant Classification Sherloc (09022015). Collection method: clinical testing. Allele origin: germline.
Comment: This sequence change replaces aspartic acid, which is acidic and polar, with asparagine, which is neutral and polar, at codon 1490 of the SETX protein (p.Asp1490Asn). This variant is not present in population databases (gnomAD no frequency). This variant has not been reported in the literature in individuals affected with SETX-related conditions. Advanced modeling of protein sequence and biophysical properties (such as structural, functional, and spatial information, amino acid conservation, physicochemical variation, residue mobility, and thermodynamic stability) performed at Invitae indicates that this missense variant is not expected to disrupt SETX protein function with a negative predictive value of 95%. In summary, the available evidence is currently insufficient to determine the role of this variant in disease. Therefore, it has been classified as a Variant of Uncertain Significance.

NM_015046.7(SETX):c.4468G>A (p.Asp1490Asn)

Gene: SETX (senataxin; minus strand). Cytogenetic location: 9q34.13.
Variant type: single nucleotide variant.
Coding change: c.4468G>A on transcript NM_015046.7 (MANE Select); coding-DNA position 4468, G replaced by A.
Protein change: p.Asp1490Asn; replaces aspartic acid 1490 with asparagine.
Molecular consequence: missense variant.
Genome position (GRCh38, 1-based): chr9:132,327,130, C>T on the plus strand (G>A on the coding strand, the complement: SETX is on the minus strand). VCF-style: chr9-132327130-C-T. GRCh37 (hg19) VCF-style: chr9-135202517-C-T.
Other names: c.4468G>A, p.Asp1490Asn (NM_001351527.2, NM_001351528.2); short protein forms D1490N.
Identifiers: ClinVar variation 2935437 (VCV002935437.3), dbSNP rs1940970157, ClinGen allele CA375326203.